The following is an entry in ClinVar:

NM_001378609.3(OTOGL):c.5589G>A (p.Glu1863=)

Gene: OTOGL (otogelin like; plus strand). Cytogenetic location: 12q21.31.
Variant type: single nucleotide variant.
Coding change: c.5589G>A on transcript NM_001378609.3 (MANE Select); coding-DNA position 5589, G replaced by A.
Protein change: p.Glu1863=; no amino-acid change (glutamic acid 1863 retained).
Molecular consequence: synonymous variant.
Genome position (GRCh38, 1-based): chr12:80,353,506, G>A. VCF-style: chr12-80353506-G-A. GRCh37 (hg19) VCF-style: chr12-80747286-G-A.
Other names: c.5562G>A (NM_173591.3); c.5454G>A, p.Glu1818= (NM_001368062.3); c.5589G>A, p.Glu1863= (NM_001378610.3, NM_173591.7).
Identifiers: ClinVar variation 3708538 (VCV003708538.3).

ClinVar aggregate classification (germline): Likely benign. Review status: criteria provided, multiple submitters, no conflicts (2 of 4 stars). 2 submissions from 2 submitters: Likely benign (2). Last evaluated 2026-01-20.

Conditions:
OTOGL-related disorder. Also called: OTOGL-related condition.

gnomAD v4.1: 33 of 1,550,310 alleles (0.0021%); highest among the groups gnomAD compares: Admixed American, 0.0098%; no homozygotes.

Submissions (2):

PreventionGenetics, part of Exact Sciences
Classification: Likely benign for OTOGL-related condition. Last evaluated: 2026-01-20. Review status: criteria provided, single submitter. Criteria: ACMG Guidelines, 2015. Collection method: clinical testing. Allele origin: germline.
Comment: This variant is classified as likely benign based on ACMG/AMP sequence variant interpretation guidelines (Richards et al. 2015 PMID: 25741868, with internal and published modifications).

Labcorp Genetics (formerly Invitae), Labcorp
Classification: Likely benign. Last evaluated: 2024-04-12. Review status: criteria provided, single submitter. Criteria: Invitae Variant Classification Sherloc (09022015). Collection method: clinical testing. Allele origin: germline.